The following is an entry in ClinVar:

ClinVar aggregate classification (germline): Likely benign (0 of 4 stars; one submission).

Conditions:
MEG3-related disorder. Also called: MEG3-related condition.

Allele frequency attached by ClinVar (database versions not stated): gnomAD 0.00003; TOPMed 0.00010.
gnomAD v4.1: 5 of 152,884 alleles (0.0033%); highest among the groups gnomAD compares: Admixed American, 0.033%; no homozygotes.

Submission:

PreventionGenetics, part of Exact Sciences
Classification: Likely benign for MEG3-related condition. Last evaluated: 2022-03-16. Review status: no assertion criteria provided. Collection method: clinical testing. Allele origin: germline.
Comment: This variant is classified as likely benign based on ACMG/AMP sequence variant interpretation guidelines (Richards et al. 2015 PMID: 25741868, with internal and published modifications).

NR_046473.1(MEG3):n.936-366G>A

Gene: MEG3 (maternally expressed 3; plus strand). Cytogenetic location: 14q32.2.
Variant type: single nucleotide variant.
Molecular consequence: non-coding transcript variant (on NR_033359.1). On other transcripts: intron variant (1).
Genome position: GRCh38 VCF-style: chr14-100831055-G-A. GRCh37 (hg19) VCF-style: chr14-101297392-G-A.
Identifiers: ClinVar variation 3054634 (VCV003054634.2), dbSNP rs1032506531, ClinGen allele CA266908261.